The following is an entry in ClinVar:

ClinVar aggregate classification (germline): Uncertain significance. Review status: criteria provided, multiple submitters, no conflicts (2 of 4 stars). 5 submissions from 4 submitters: Uncertain significance (5). Last evaluated 2024-08-22.

Conditions:
Usher syndrome type 2A. Also called: RETINAL DISEASE IN USHER SYNDROME TYPE IIA, MODIFIER OF; USHER SYNDROME, TYPE IIA. Identifiers: Orphanet 231178, Orphanet 886, MedGen C1848634, MONDO:0010169, OMIM 276901.
Retinitis pigmentosa 39 (RP39). Identifiers: Orphanet 791, MedGen C3151138, MONDO:0013436, OMIM 613809.

Allele frequency attached by ClinVar (database versions not stated): ExAC 0.00001; gnomAD exomes 0.00001; TOPMed 0.00006.
gnomAD v4.1: 10 of 1,613,934 alleles (0.00062%); highest among the groups gnomAD compares: Admixed American, 0.0067%; no homozygotes.

Submissions (5):

Blueprint Genetics
Classification: Uncertain significance. Last evaluated: 2024-08-22. Review status: criteria provided, single submitter. Criteria: ACMG Guidelines, 2015. Collection method: clinical testing. Allele origin: germline.

Genome-Nilou Lab
Classification: Uncertain significance for Retinitis pigmentosa 39. Last evaluated: 2023-11-04. Review status: criteria provided, single submitter. Criteria: ACMG Guidelines, 2015. Collection method: clinical testing. Allele origin: germline. Affected: no.

Genome-Nilou Lab
Classification: Uncertain significance for Usher syndrome type 2A. Last evaluated: 2023-11-04. Review status: criteria provided, single submitter. Criteria: ACMG Guidelines, 2015. Collection method: clinical testing. Allele origin: germline. Affected: no.

GeneDx
Classification: Uncertain significance. Last evaluated: 2021-11-01. Review status: criteria provided, single submitter. Criteria: GeneDx Variant Classification Process June 2021. Collection method: clinical testing. Allele origin: germline. Affected: yes.
Comment: In silico analysis supports that this missense variant has a deleterious effect on protein structure/function; Has not been previously published as pathogenic or benign in association with USH2A-related disease to our knowledge

Labcorp Genetics (formerly Invitae), Labcorp
Classification: Uncertain significance. Last evaluated: 2021-09-08. Review status: criteria provided, single submitter. Criteria: Invitae Variant Classification Sherloc (09022015). Collection method: clinical testing. Allele origin: germline.
Comment: This sequence change replaces arginine with cysteine at codon 4187 of the USH2A protein (p.Arg4187Cys). The arginine residue is highly conserved and there is a large physicochemical difference between arginine and cysteine. This variant is present in population databases (rs760177550, ExAC 0.01%). This variant has not been reported in the literature in individuals affected with USH2A-related conditions. Algorithms developed to predict the effect of missense changes on protein structure and function (SIFT, PolyPhen-2, Align-GVGD) all suggest that this variant is likely to be disruptive. In summary, the available evidence is currently insufficient to determine the role of this variant in disease. Therefore, it has been classified as a Variant of Uncertain Significance.

NM_206933.4(USH2A):c.12559C>T (p.Arg4187Cys)

Gene: USH2A (usherin; minus strand). Cytogenetic location: 1q41.
Variant type: single nucleotide variant.
Coding change: c.12559C>T on transcript NM_206933.4 (MANE Select); coding-DNA position 12559, C replaced by T.
Protein change: p.Arg4187Cys; replaces arginine 4187 with cysteine.
Molecular consequence: missense variant.
Genome position (GRCh38, 1-based): chr1:215,675,352, G>A on the plus strand (C>T on the coding strand, the complement: USH2A is on the minus strand). VCF-style: chr1-215675352-G-A. GRCh37 (hg19) VCF-style: chr1-215848694-G-A.
Other names: short protein forms R4187C.
Identifiers: ClinVar variation 1321805 (VCV001321805.5), dbSNP rs760177550, ClinGen allele CA1393452.